The following is an entry in ClinVar:

NM_000051.4(ATM):c.8000T>G (p.Met2667Arg)

Genes: ATM (ATM serine/threonine kinase; plus strand), C11orf65 (chromosome 11 open reading frame 65; minus strand). Cytogenetic location: 11q22.3.
Variant type: single nucleotide variant.
Coding change: c.8000T>G on transcript NM_000051.4 (MANE Select); coding-DNA position 8000, T replaced by G.
Protein change: p.Met2667Arg; replaces methionine 2667 with arginine.
Molecular consequence: missense variant. On other transcripts: intron variant (2).
Genome position (GRCh38, 1-based): chr11:108,333,958, T>G. VCF-style: chr11-108333958-T-G. GRCh37 (hg19) VCF-style: chr11-108204685-T-G.
Other names: c.8000T>G, p.Met2667Arg (NM_001351834.2); c.641-24887A>C (NM_001330368.2); c.*38+1262A>C (NM_001351110.2); short protein forms M2667R.
Identifiers: ClinVar variation 4168701 (VCV004168701.1).

ClinVar aggregate classification (germline): Uncertain significance (1 of 4 stars; one submission).

Conditions:
Hereditary cancer-predisposing syndrome. Also called: Neoplastic Syndromes, Hereditary; Tumor predisposition; Hereditary neoplastic syndrome; Hereditary Cancer Syndrome. Identifiers: Orphanet 140162, MedGen C0027672, MeSH D009386, MONDO:0015356.

Submission:

Ambry Genetics
Classification: Uncertain significance for Hereditary cancer-predisposing syndrome. Last evaluated: 2025-06-15. Review status: criteria provided, single submitter. Criteria: Ambry Variant Classification Scheme 2023. Collection method: clinical testing. Allele origin: germline.
Comment: The p.M2667R variant (also known as c.8000T>G), located in coding exon 53 of the ATM gene, results from a T to G substitution at nucleotide position 8000. The methionine at codon 2667 is replaced by arginine, an amino acid with similar properties. This amino acid position is conserved. In addition, this alteration is predicted to be deleterious by in silico analysis. Based on the available evidence, the clinical significance of this variant remains unclear.